The following is an entry in ClinVar:

ClinVar aggregate classification (germline): Benign (1 of 4 stars; one submission).

Conditions:
Charcot-Marie-Tooth disease type 1C. Also called: Charcot-Marie-Tooth disease, type IC; CHARCOT-MARIE-TOOTH DISEASE, DEMYELINATING, TYPE 1C; CMT, SLOW NERVE CONDUCTION TYPE C; CHARCOT-MARIE-TOOTH NEUROPATHY, TYPE 1C; NEUROPATHY, HEREDITARY MOTOR AND SENSORY, TYPE IC; HMSN IC. Identifiers: Orphanet 101083, MedGen C0270913, MONDO:0010995, OMIM 601098.

Allele frequency attached by ClinVar (database versions not stated): gnomAD 0.00009 and 0.00017; TOPMed 0.00023; 1000 Genomes Project 30x 0.00125; 1000 Genomes Project 0.00160.
gnomAD v4.1: 93 of 454,068 alleles (0.02%); highest among the groups gnomAD compares: East Asian, 0.63%; no homozygotes.

Submission:

Illumina Laboratory Services, Illumina
Classification: Benign for Charcot-Marie-Tooth disease type 1C. Last evaluated: 2018-01-13. Review status: criteria provided, single submitter. Criteria: ICSL Variant Classification Criteria 13 December 2019. Collection method: clinical testing. Allele origin: germline.
Comment: This variant was observed in the ICSL laboratory as part of a predisposition screen in an ostensibly healthy population. It had not been previously curated by ICSL or reported in the Human Gene Mutation Database (HGMD: prior to June 1st, 2018), and was therefore a candidate for classification through an automated scoring system. Utilizing variant allele frequency, disease prevalence and penetrance estimates, and inheritance mode, an automated score was calculated to assess if this variant is too frequent to cause the disease. Based on the score and internal cut-off values, a variant classified as benign is not then subjected to further curation. The score for this variant resulted in a classification of benign for this disease.

NM_001136472.2(LITAF):c.*1632C>G

Gene: LITAF (lipopolysaccharide induced TNF factor; minus strand). Cytogenetic location: 16p13.13.
Variant type: single nucleotide variant.
Coding change: c.*1632C>G on transcript NM_001136472.2 (MANE Select); 1632 bases downstream of the stop codon, C replaced by G.
Molecular consequence: 3 prime UTR variant. On other transcripts: non-coding transcript variant (1).
Genome position (GRCh38, 1-based): chr16:11,548,005, G>C on the plus strand (C>G on the coding strand, the complement: LITAF is on the minus strand). VCF-style: chr16-11548005-G-C. GRCh37 (hg19) VCF-style: chr16-11641861-G-C.
Other names: c.*1757C>G (NM_001136473.1); c.*1632C>G (NM_004862.4).
Identifiers: ClinVar variation 884700 (VCV000884700.4), dbSNP rs74808365, ClinGen allele CA278300369.